The following is an entry in ClinVar:

NM_004655.4(AXIN2):c.1773C>T (p.Ala591=)

Gene: AXIN2 (axin 2; minus strand). Cytogenetic location: 17q24.1.
Variant type: single nucleotide variant.
Coding change: c.1773C>T on transcript NM_004655.4 (MANE Select); coding-DNA position 1773, C replaced by T.
Protein change: p.Ala591=; no amino-acid change (alanine 591 retained).
Molecular consequence: synonymous variant. On other transcripts: intron variant (1).
Genome position (GRCh38, 1-based): chr17:65,537,003, G>A on the plus strand (C>T on the coding strand, the complement: AXIN2 is on the minus strand). VCF-style: chr17-65537003-G-A. GRCh37 (hg19) VCF-style: chr17-63533121-G-A.
Other names: c.1712+321C>T (NM_001363813.1).
Identifiers: ClinVar variation 1779832 (VCV001779832.8), dbSNP rs1413003297, ClinGen allele CA501691133.

ClinVar aggregate classification (germline): Benign/Likely benign. Review status: criteria provided, multiple submitters, no conflicts (2 of 4 stars). 3 submissions from 3 submitters: Benign (1); Likely benign (2). Last evaluated 2024-07-08.

Conditions:
Hereditary cancer-predisposing syndrome. Also called: Neoplastic Syndromes, Hereditary; Tumor predisposition; Hereditary Cancer Syndrome; Hereditary neoplastic syndrome. Identifiers: Orphanet 140162, MedGen C0027672, MeSH D009386, MONDO:0015356.
Oligodontia-cancer predisposition syndrome. Also called: TOOTH AGENESIS-COLORECTAL CANCER SYNDROME. Identifiers: Orphanet 300576, MedGen C1837750, MONDO:0012075, OMIM 608615. Disease mechanism: loss of function.

Allele frequency attached by ClinVar (database versions not stated): gnomAD 0.00001.
gnomAD v4.1: 1 of 1,611,704 alleles (0.000062%); highest among the groups gnomAD compares: East Asian, 0.0022%; no homozygotes.

Submissions (3):

Myriad Genetics, Inc.
Classification: Benign for Oligodontia-cancer predisposition syndrome. Last evaluated: 2024-07-08. Review status: criteria provided, single submitter. Criteria: Myriad Autosomal Dominant, Autosomal Recessive and X-Linked Classification Criteria (2023). Collection method: clinical testing. Allele origin: unknown.
Comment: This variant is considered benign. This variant is a silent/synonymous amino acid change and it is not expected to impact splicing.

Labcorp Genetics (formerly Invitae), Labcorp
Classification: Likely benign for Oligodontia-cancer predisposition syndrome. Last evaluated: 2024-01-18. Review status: criteria provided, single submitter. Criteria: Invitae Variant Classification Sherloc (09022015). Collection method: clinical testing. Allele origin: germline.

Ambry Genetics
Classification: Likely benign for Hereditary cancer-predisposing syndrome. Last evaluated: 2021-12-08. Review status: criteria provided, single submitter. Criteria: Ambry Variant Classification Scheme 2023. Collection method: clinical testing. Allele origin: germline.